The following is an entry in ClinVar:

NM_173354.5(SIK1):c.1085C>T (p.Pro362Leu)

Gene: SIK1 (salt inducible kinase 1; minus strand). Cytogenetic location: 21q22.3.
Variant type: single nucleotide variant.
Coding change: c.1085C>T on transcript NM_173354.5 (MANE Select); coding-DNA position 1085, C replaced by T.
Protein change: p.Pro362Leu; replaces proline 362 with leucine.
Molecular consequence: missense variant.
Genome position (GRCh38, 1-based): chr21:43,419,893, G>A on the plus strand (C>T on the coding strand, the complement: SIK1 is on the minus strand). VCF-style: chr21-43419893-G-A. GRCh37 (hg19) VCF-style: chr21-44839773-G-A.
Other names: short protein forms P362L.
Identifiers: ClinVar variation 805453 (VCV000805453.7), dbSNP rs1006861899, ClinGen allele CA321326484.

ClinVar aggregate classification (germline): Uncertain significance. Review status: criteria provided, multiple submitters, no conflicts (2 of 4 stars). 3 submissions from 3 submitters: Uncertain significance (3). Last evaluated 2024-12-06.

Conditions:
Developmental and epileptic encephalopathy, 30 (DEE30). Also called: Epileptic encephalopathy, early infantile, 30. Identifiers: MedGen C4225360, MONDO:0014595, OMIM 616341.
Inborn genetic diseases. Identifiers: MedGen C0950123, MeSH D030342.

Submissions (3):

Ambry Genetics
Classification: Uncertain significance for Inborn genetic diseases. Last evaluated: 2024-12-06. Review status: criteria provided, single submitter. Criteria: Ambry Variant Classification Scheme 2023. Collection method: clinical testing. Allele origin: germline.

Labcorp Genetics (formerly Invitae), Labcorp
Classification: Uncertain significance for Developmental and epileptic encephalopathy, 30. Last evaluated: 2024-03-19. Review status: criteria provided, single submitter. Criteria: Invitae Variant Classification Sherloc (09022015). Collection method: clinical testing. Allele origin: germline.
Comment: This sequence change replaces proline, which is neutral and non-polar, with leucine, which is neutral and non-polar, at codon 362 of the SIK1 protein (p.Pro362Leu). The frequency data for this variant in the population databases is considered unreliable, as metrics indicate poor data quality at this position in the gnomAD database. This variant has not been reported in the literature in individuals affected with SIK1-related conditions. ClinVar contains an entry for this variant (Variation ID: 805453). Advanced modeling of protein sequence and biophysical properties (such as structural, functional, and spatial information, amino acid conservation, physicochemical variation, residue mobility, and thermodynamic stability) performed at Invitae indicates that this missense variant is not expected to disrupt SIK1 protein function with a negative predictive value of 95%. In summary, the available evidence is currently insufficient to determine the role of this variant in disease. Therefore, it has been classified as a Variant of Uncertain Significance.

Athena Diagnostics
Classification: Uncertain significance. Last evaluated: 2019-03-27. Review status: criteria provided, single submitter. Criteria: Athena Diagnostics Criteria. Collection method: clinical testing. Allele origin: germline.